The following is an entry in ClinVar:

NM_002979.5(SCP2):c.382A>G (p.Ser128Gly)

Gene: SCP2 (sterol carrier protein 2; plus strand). Cytogenetic location: 1p32.3.
Variant type: single nucleotide variant.
Coding change: c.382A>G on transcript NM_002979.5 (MANE Select); coding-DNA position 382, A replaced by G.
Protein change: p.Ser128Gly; replaces serine 128 with glycine.
Molecular consequence: missense variant.
Genome position (GRCh38, 1-based): chr1:52,954,790, A>G. VCF-style: chr1-52954790-A-G. GRCh37 (hg19) VCF-style: chr1-53420462-A-G.
Other names: c.250A>G, p.Ser84Gly (NM_001007098.3, NM_001193600.2); c.310A>G, p.Ser104Gly (NM_001193599.2); c.139A>G, p.Ser47Gly (NM_001193617.2); c.382A>G, p.Ser128Gly (NM_001330587.2); short protein forms S128G, S47G, S84G, S104G.
Identifiers: ClinVar variation 2087322 (VCV002087322.4), dbSNP rs2524525701, ClinGen allele CA340376527.

ClinVar aggregate classification (germline): Uncertain significance (1 of 4 stars; one submission).

Submission:

Labcorp Genetics (formerly Invitae), Labcorp
Classification: Uncertain significance. Last evaluated: 2023-12-11. Review status: criteria provided, single submitter. Criteria: Invitae Variant Classification Sherloc (09022015). Collection method: clinical testing. Allele origin: germline.
Comment: This sequence change replaces serine, which is neutral and polar, with glycine, which is neutral and non-polar, at codon 128 of the SCP2 protein (p.Ser128Gly). This variant is not present in population databases (gnomAD no frequency). This variant has not been reported in the literature in individuals affected with SCP2-related conditions. ClinVar contains an entry for this variant (Variation ID: 2087322). Algorithms developed to predict the effect of missense changes on protein structure and function output the following: SIFT: "Not Available"; PolyPhen-2: "Benign"; Align-GVGD: "Not Available". The glycine amino acid residue is found in multiple mammalian species, which suggests that this missense change does not adversely affect protein function. In summary, the available evidence is currently insufficient to determine the role of this variant in disease. Therefore, it has been classified as a Variant of Uncertain Significance.